The following is an entry in ClinVar:

ClinVar aggregate classification (germline): Uncertain significance. Review status: criteria provided, multiple submitters, no conflicts (2 of 4 stars). 2 submissions from 2 submitters: Uncertain significance (2). Last evaluated 2025-06-17.

Conditions:
Inborn genetic diseases. Identifiers: MedGen C0950123, MeSH D030342.
Vici syndrome (VICIS). Identifiers: Orphanet 1493, MedGen C1855772, MONDO:0009452, OMIM 242840.

Allele frequency attached by ClinVar (database versions not stated): gnomAD exomes below 0.00001 and 0.00001; ExAC 0.00001; TOPMed 0.00001.
gnomAD v4.1: 2 of 1,613,736 alleles (0.00012%); highest among the groups gnomAD compares: Admixed American, 0.0033%; no homozygotes.

Submissions (2):

Ambry Genetics
Classification: Uncertain significance for Inborn genetic diseases. Last evaluated: 2025-06-17. Review status: criteria provided, single submitter. Criteria: Ambry Variant Classification Scheme 2023. Collection method: clinical testing. Allele origin: germline.

Labcorp Genetics (formerly Invitae), Labcorp
Classification: Uncertain significance for Vici syndrome. Last evaluated: 2021-04-08. Review status: criteria provided, single submitter. Criteria: Invitae Variant Classification Sherloc (09022015). Collection method: clinical testing. Allele origin: germline.
Comment: In summary, the available evidence is currently insufficient to determine the role of this variant in disease. Therefore, it has been classified as a Variant of Uncertain Significance. Algorithms developed to predict the effect of missense changes on protein structure and function output the following: SIFT: "Tolerated"; PolyPhen-2: "Benign"; Align-GVGD: "Class C0". The glycine amino acid residue is found in multiple mammalian species, suggesting that this missense change does not adversely affect protein function. These predictions have not been confirmed by published functional studies and their clinical significance is uncertain. This variant has not been reported in the literature in individuals with EPG5-related conditions. This variant is present in population databases (rs758319070, ExAC 0.009%). This sequence change replaces serine with glycine at codon 154 of the EPG5 protein (p.Ser154Gly). The serine residue is weakly conserved and there is a small physicochemical difference between serine and glycine.

NM_020964.3(EPG5):c.460A>G (p.Ser154Gly)

Gene: EPG5 (ectopic P-granules 5 autophagy tethering factor; minus strand). Cytogenetic location: 18q21.1.
Variant type: single nucleotide variant.
Coding change: c.460A>G on transcript NM_020964.3 (MANE Select); coding-DNA position 460, A replaced by G.
Protein change: p.Ser154Gly; replaces serine 154 with glycine.
Molecular consequence: missense variant.
Genome position (GRCh38, 1-based): chr18:45,954,942, T>C on the plus strand (A>G on the coding strand, the complement: EPG5 is on the minus strand). VCF-style: chr18-45954942-T-C. GRCh37 (hg19) VCF-style: chr18-43534908-T-C.
Other names: c.460A>G (NM_020964.2); short protein forms S154G.
Identifiers: ClinVar variation 1482651 (VCV001482651.10), dbSNP rs758319070, ClinGen allele CA8949943.